The following is an entry in ClinVar:

NM_015466.4(PTPN23):c.1525_1533del (p.Ser509_Thr511del)

Gene: PTPN23 (protein tyrosine phosphatase non-receptor type 23; plus strand). Cytogenetic location: 3p21.31.
Variant type: Deletion.
Coding change: c.1525_1533del on transcript NM_015466.4 (MANE Select); coding-DNA positions 1525 to 1533, 9 bases deleted (TCCTTCACC; older notation c.1525_1533delTCCTTCACC).
Protein change: p.Ser509_Thr511del.
Genome position (GRCh38, 1-based): chr3:47,408,970-47,408,978, TCCTTCACC deleted; deleting any 9 consecutive bases within chr3:47,408,968-47,408,978 gives the same sequence; the c. name uses the placement nearest the transcript's 3' end. VCF-style (leftmost placement, unchanged base first): chr3-47408967-GCCTCCTTCA-G. GRCh37 (hg19) VCF-style: chr3-47450457-GCCTCCTTCA-G.
Other names: c.1147_1155del, p.Ser383_Thr385del (NM_001304482.2).
Identifiers: ClinVar variation 3376094 (VCV003376094.1).

ClinVar aggregate classification (germline): Uncertain significance (1 of 4 stars; one submission).

Submission:

GeneDx
Classification: Uncertain significance. Last evaluated: 2024-05-07. Review status: criteria provided, single submitter. Criteria: GeneDx Variant Classification Process June 2021. Collection method: clinical testing. Allele origin: germline. Affected: yes.
Comment: Not observed at significant frequency in large population cohorts (gnomAD); In-frame deletion of 3 amino acids in a non-repeat region; In silico analysis indicates that this variant does not alter protein structure/function; Has not been previously published as pathogenic or benign to our knowledge